The following is an entry in ClinVar:

ClinVar aggregate classification (germline): Uncertain significance. Review status: criteria provided, multiple submitters, no conflicts (2 of 4 stars). 3 submissions from 3 submitters: Uncertain significance (3). Last evaluated 2025-09-10.

Conditions:
Landau-Kleffner syndrome (FESD). Also called: EPILEPSY, FOCAL, WITH SPEECH DISORDER AND WITH OR WITHOUT MENTAL RETARDATION; APHASIA, ACQUIRED, WITH EPILEPSY. Identifiers: Orphanet 1945, Orphanet 725, Orphanet 98818, MedGen C0282512, MONDO:0009509, OMIM 245570.

Allele frequency attached by ClinVar (database versions not stated): gnomAD exomes below 0.00001; gnomAD 0.00001; TOPMed 0.00001.
gnomAD v4.1: 4 of 1,613,748 alleles (0.00025%); highest among the groups gnomAD compares: Non-Finnish European, 0.00034%; no homozygotes.

Submissions (3):

Labcorp Genetics (formerly Invitae), Labcorp
Classification: Uncertain significance for Landau-Kleffner syndrome. Last evaluated: 2025-09-10. Review status: criteria provided, single submitter. Criteria: Invitae Variant Classification Sherloc (09022015). Collection method: clinical testing. Allele origin: germline.
Comment: This sequence change replaces valine, which is neutral and non-polar, with methionine, which is neutral and non-polar, at codon 559 of the GRIN2A protein (p.Val559Met). This variant is present in population databases (no rsID available, gnomAD 0.0009%). This variant has not been reported in the literature in individuals affected with GRIN2A-related conditions. This missense change has been observed in at least one individual who was not affected with GRIN2A-related conditions (internal data). ClinVar contains an entry for this variant (Variation ID: 447456). Invitae Evidence Modeling of protein sequence and biophysical properties (such as structural, functional, and spatial information, amino acid conservation, physicochemical variation, residue mobility, and thermodynamic stability) has been performed for this missense variant. However, the output from this modeling did not meet the statistical confidence thresholds required to predict the impact of this variant on GRIN2A protein function. In summary, the available evidence is currently insufficient to determine the role of this variant in disease. Therefore, it has been classified as a Variant of Uncertain Significance.

GeneDx
Classification: Uncertain significance. Last evaluated: 2024-12-06. Review status: criteria provided, single submitter. Criteria: GeneDx Variant Classification Process June 2021. Collection method: clinical testing. Allele origin: germline. Affected: yes.
Comment: Not observed at significant frequency in large population cohorts (gnomAD); In silico analysis indicates that this missense variant does not alter protein structure/function; Has not been previously published as pathogenic or benign to our knowledge; This variant is associated with the following publications: (PMID: 27839871)

Athena Diagnostics
Classification: Uncertain significance. Last evaluated: 2017-03-21. Review status: criteria provided, single submitter. Criteria: Athena Diagnostics Criteria. Collection method: clinical testing. Allele origin: germline.

Literature cited by the submitters: PubMed 21376300 (cited by Athena Diagnostics); PubMed 27839871 (cited by Athena Diagnostics).

NM_001134407.3(GRIN2A):c.1675G>A (p.Val559Met)

Gene: GRIN2A (glutamate ionotropic receptor NMDA type subunit 2A; minus strand). Cytogenetic location: 16p13.2.
Variant type: single nucleotide variant.
Coding change: c.1675G>A on transcript NM_001134407.3 (MANE Select); coding-DNA position 1675, G replaced by A.
Protein change: p.Val559Met; replaces valine 559 with methionine.
Molecular consequence: missense variant.
Genome position (GRCh38, 1-based): chr16:9,834,207, C>T on the plus strand (G>A on the coding strand, the complement: GRIN2A is on the minus strand). VCF-style: chr16-9834207-C-T. GRCh37 (hg19) VCF-style: chr16-9928064-C-T.
Other names: c.1675G>A, p.Val559Met (NM_000833.5, NM_001134408.2); short protein forms V559M.
Identifiers: ClinVar variation 447456 (VCV000447456.9), dbSNP rs1476673300, ClinGen allele CA394800104.
Genomic context (GRCh38, chr16:9,834,207, plus strand): 5'-AGTATTCAAAGACAAAAACAGCTATGGCAGAAACAATGAGCAGCATCACAAACATCATCA[C>T]CCAGACAGAGGCGCTGAATGGTTCTGCAAATAAACAGATAAAGGAATGGAAACGTGGTTA-3'
Protein context (NP_001127879.1, residues 549-569): FLEPFSASVW[Val559Met]MMFVMLLIVS